The following is an entry in ClinVar:

ClinVar aggregate classification (germline): Uncertain significance (1 of 4 stars; one submission).

gnomAD v4.1: 1 of 1,613,336 alleles (0.000062%); highest among the groups gnomAD compares: Non-Finnish European, 0.000085%; no homozygotes.

Submission:

Labcorp Genetics (formerly Invitae), Labcorp
Classification: Uncertain significance. Last evaluated: 2025-11-12. Review status: criteria provided, single submitter. Criteria: Invitae Variant Classification Sherloc (09022015). Collection method: clinical testing. Allele origin: germline.
Comment: This sequence change replaces glutamic acid, which is acidic and polar, with aspartic acid, which is acidic and polar, at codon 349 of the HR protein (p.Glu349Asp). This variant is not present in population databases (gnomAD no frequency). This variant has not been reported in the literature in individuals affected with HR-related conditions. An algorithm developed to predict the effect of missense changes on protein structure and function outputs the following: PolyPhen-2: "Benign". The aspartic acid amino acid residue is found in multiple mammalian species, which suggests that this missense change does not adversely affect protein function. In summary, the available evidence is currently insufficient to determine the role of this variant in disease. Therefore, it has been classified as a Variant of Uncertain Significance.

NM_005144.5(HR):c.1047G>C (p.Glu349Asp)

Gene: HR (HR lysine demethylase and nuclear receptor corepressor; minus strand). Cytogenetic location: 8p21.3.
Variant type: single nucleotide variant.
Coding change: c.1047G>C on transcript NM_005144.5 (MANE Select); coding-DNA position 1047, G replaced by C.
Protein change: p.Glu349Asp; replaces glutamic acid 349 with aspartic acid.
Molecular consequence: missense variant.
Genome position (GRCh38, 1-based): chr8:22,127,395, C>G on the plus strand (G>C on the coding strand, the complement: HR is on the minus strand). VCF-style: chr8-22127395-C-G. GRCh37 (hg19) VCF-style: chr8-21984908-C-G.
Other names: c.1047G>C, p.Glu349Asp (NM_018411.4); short protein forms E349D.
Identifiers: ClinVar variation 4778667 (VCV004778667.1).